The following is an entry in ClinVar:

NM_020822.3(KCNT1):c.1179C>A (p.Phe393Leu)

Gene: KCNT1 (potassium sodium-activated channel subfamily T member 1; plus strand). Cytogenetic location: 9q34.3.
Variant type: single nucleotide variant.
Coding change: c.1179C>A on transcript NM_020822.3 (MANE Select); coding-DNA position 1179, C replaced by A.
Protein change: p.Phe393Leu; replaces phenylalanine 393 with leucine.
Molecular consequence: missense variant.
Genome position (GRCh38, 1-based): chr9:135,765,174, C>A. VCF-style: chr9-135765174-C-A. GRCh37 (hg19) VCF-style: chr9-138657020-C-A.
Other names: c.1044C>A, p.Phe348Leu (NM_001272003.2); short protein forms F348L, F393L.
Identifiers: ClinVar variation 1700304 (VCV001700304.5), dbSNP rs1832174053, ClinGen allele CA375500645.

ClinVar aggregate classification (germline): Uncertain significance. Review status: criteria provided, multiple submitters, no conflicts (2 of 4 stars). 2 submissions from 2 submitters: Uncertain significance (2). Last evaluated 2025-08-28.

Conditions:
Autosomal dominant nocturnal frontal lobe epilepsy 5. Also called: CILIARY DYSKINESIA, PRIMARY, 28, WITHOUT SITUS INVERSUS; CILIARY DYSKINESIA, PRIMARY, 28, WITH SITUS INVERSUS; Epilepsy, nocturnal frontal lobe, 5; KCNT1-Related Epilepsy. Identifiers: Orphanet 98784, MedGen C3554306, MONDO:0014002, OMIM 615005.
Developmental and epileptic encephalopathy, 14 (DEE14). Also called: Early infantile epileptic encephalopathy 14. Identifiers: Orphanet 293181, MedGen C3554195, MONDO:0013989, OMIM 614959.

Allele frequency attached by ClinVar (database versions not stated): TOPMed 0.00001.
gnomAD v4.1: 1 of 1,612,516 alleles (0.000062%); highest among the groups gnomAD compares: Non-Finnish European, 0.000085%; no homozygotes.

Submissions (2):

Labcorp Genetics (formerly Invitae), Labcorp
Classification: Uncertain significance for Autosomal dominant nocturnal frontal lobe epilepsy 5; Developmental and epileptic encephalopathy, 14. Last evaluated: 2025-08-28. Review status: criteria provided, single submitter. Criteria: Invitae Variant Classification Sherloc (09022015). Collection method: clinical testing. Allele origin: germline.
Comment: This sequence change replaces phenylalanine, which is neutral and non-polar, with leucine, which is neutral and non-polar, at codon 393 of the KCNT1 protein (p.Phe393Leu). This variant is not present in population databases (gnomAD no frequency). This variant has not been reported in the literature in individuals affected with KCNT1-related conditions. ClinVar contains an entry for this variant (Variation ID: 1700304). Invitae Evidence Modeling of protein sequence and biophysical properties (such as structural, functional, and spatial information, amino acid conservation, physicochemical variation, residue mobility, and thermodynamic stability) has been performed for this missense variant. However, the output from this modeling did not meet the statistical confidence thresholds required to predict the impact of this variant on KCNT1 protein function. In summary, the available evidence is currently insufficient to determine the role of this variant in disease. Therefore, it has been classified as a Variant of Uncertain Significance.

GeneDx
Classification: Uncertain significance. Last evaluated: 2022-02-06. Review status: criteria provided, single submitter. Criteria: GeneDx Variant Classification Process June 2021. Collection method: clinical testing. Allele origin: germline. Affected: yes.
Comment: Not observed at significant frequency in large population cohorts (gnomAD); In silico analysis supports that this missense variant has a deleterious effect on protein structure/function; Has not been previously published as pathogenic or benign to our knowledge